The following is an entry in ClinVar:

NM_000211.5(ITGB2):c.854G>A (p.Arg285His)

Gene: ITGB2 (integrin subunit beta 2; minus strand). Cytogenetic location: 21q22.3.
Variant type: single nucleotide variant.
Coding change: c.854G>A on transcript NM_000211.5 (MANE Select); coding-DNA position 854, G replaced by A.
Protein change: p.Arg285His; replaces arginine 285 with histidine.
Molecular consequence: missense variant.
Genome position (GRCh38, 1-based): chr21:44,900,363, C>T on the plus strand (G>A on the coding strand, the complement: ITGB2 is on the minus strand). VCF-style: chr21-44900363-C-T. GRCh37 (hg19) VCF-style: chr21-46320278-C-T.
Other names: c.854G>A, p.Arg285His (NM_001127491.3); c.647G>A, p.Arg216His (NM_001303238.2); short protein forms R285H, R216H.
Identifiers: ClinVar variation 641623 (VCV000641623.11), dbSNP rs769752245, ClinGen allele CA10063037.
Genomic context (GRCh38, chr21:44,900,363, plus strand): 5'-CTGGGGTGGGGACTTACGAATTCGTTGCTCCTCTTGTACAAGTTGTCCTCCAGGTGACAG[C>T]GGCCGTCGTTGGGGGTCAGGATGGCGCCCAGCTTCCCGTCGCCCGCGAAATGGAAGCCGT-3'
Protein context (NP_000202.3, residues 275-295): LGAILTPNDG[Arg285His]CHLEDNLYKR

ClinVar aggregate classification (germline): Conflicting classifications of pathogenicity. Review status: criteria provided, conflicting classifications (1 of 4 stars). 4 submissions from 4 submitters: Uncertain significance (3); Likely benign (1). Last evaluated 2024-03-18.

Conditions:
ITGB2-related disorder. Also called: ITGB2-related condition.
Leukocyte adhesion deficiency 1 (LAD1). Also called: LAD 1; Lymphocyte function-associated antigen 1 immunodeficiency; LFA 1 immunodeficiency; LEUKOCYTE ADHESION DEFICIENCY, TYPE I. Identifiers: Orphanet 2968, Orphanet 99842, MedGen C0398738, MONDO:0007293, OMIM 116920.

Allele frequency attached by ClinVar (database versions not stated): gnomAD exomes 0.00004; gnomAD 0.00005 and 0.00006; TOPMed 0.00006; ExAC 0.00008.

Submissions (4):

Blueprint Genetics
Classification: Likely benign. Last evaluated: 2024-03-18. Review status: criteria provided, single submitter. Criteria: ACMG Guidelines, 2015. Collection method: clinical testing. Allele origin: germline.

PreventionGenetics, part of Exact Sciences
Classification: Uncertain significance for ITGB2-related condition. Last evaluated: 2023-02-27. Review status: criteria provided, single submitter. Criteria: ACMG Guidelines, 2015. Collection method: clinical testing. Allele origin: germline.
Comment: The ITGB2 c.854G>A variant is predicted to result in the amino acid substitution p.Arg285His. To our knowledge, this variant has not been reported in the literature. This variant is reported in 0.0085% of alleles in individuals of Latino descent in gnomAD. At this time, the clinical significance of this variant is uncertain due to the absence of conclusive functional and genetic evidence.

Labcorp Genetics (formerly Invitae), Labcorp
Classification: Uncertain significance for Leukocyte adhesion deficiency 1. Last evaluated: 2022-08-21. Review status: criteria provided, single submitter. Criteria: Invitae Variant Classification Sherloc (09022015). Collection method: clinical testing. Allele origin: germline.
Comment: This sequence change replaces arginine, which is basic and polar, with histidine, which is basic and polar, at codon 285 of the ITGB2 protein (p.Arg285His). This variant is present in population databases (rs769752245, gnomAD 0.009%). This variant has not been reported in the literature in individuals affected with ITGB2-related conditions. ClinVar contains an entry for this variant (Variation ID: 641623). Algorithms developed to predict the effect of missense changes on protein structure and function output the following: SIFT: "Deleterious"; PolyPhen-2: "Benign"; Align-GVGD: "Class C25". The histidine amino acid residue is found in multiple mammalian species, which suggests that this missense change does not adversely affect protein function. In summary, the available evidence is currently insufficient to determine the role of this variant in disease. Therefore, it has been classified as a Variant of Uncertain Significance.

Illumina Laboratory Services, Illumina
Classification: Uncertain significance for Leukocyte adhesion deficiency 1. Last evaluated: 2018-01-13. Review status: criteria provided, single submitter. Criteria: ICSL Variant Classification Criteria 13 December 2019. Collection method: clinical testing. Allele origin: germline.